The following is an entry in ClinVar:

ClinVar aggregate classification (germline): Uncertain significance. Review status: criteria provided, multiple submitters, no conflicts (2 of 4 stars). 2 submissions from 2 submitters: Uncertain significance (2). Last evaluated 2025-09-08.

Conditions:
Hereditary nonpolyposis colorectal neoplasms. Identifiers: MedGen C0009405, MeSH D003123.
Hereditary cancer-predisposing syndrome. Also called: Tumor predisposition; Neoplastic Syndromes, Hereditary; Hereditary Cancer Syndrome; Hereditary neoplastic syndrome. Identifiers: Orphanet 140162, MedGen C0027672, MeSH D009386, MONDO:0015356.

Allele frequency attached by ClinVar (database versions not stated): gnomAD exomes below 0.00001.
gnomAD v4.1: 3 of 1,611,782 alleles (0.00019%); highest among the groups gnomAD compares: Non-Finnish European, 0.00025%; no homozygotes.

Submissions (2):

Ambry Genetics
Classification: Uncertain significance for Hereditary cancer-predisposing syndrome. Last evaluated: 2025-09-08. Review status: criteria provided, single submitter. Criteria: Ambry Variant Classification Scheme 2023. Collection method: clinical testing. Allele origin: germline.
Comment: The p.I967T variant (also known as c.2900T>C), located in coding exon 4 of the MSH6 gene, results from a T to C substitution at nucleotide position 2900. The isoleucine at codon 967 is replaced by threonine, an amino acid with similar properties. This amino acid position is not well conserved in available vertebrate species. In addition, the in silico prediction for this alteration is inconclusive. Based on the available evidence, the clinical significance of this variant remains unclear.

Labcorp Genetics (formerly Invitae), Labcorp
Classification: Uncertain significance for Hereditary nonpolyposis colorectal neoplasms. Last evaluated: 2024-03-25. Review status: criteria provided, single submitter. Criteria: Invitae Variant Classification Sherloc (09022015). Collection method: clinical testing. Allele origin: germline.
Comment: This sequence change replaces isoleucine, which is neutral and non-polar, with threonine, which is neutral and polar, at codon 967 of the MSH6 protein (p.Ile967Thr). This variant is not present in population databases (gnomAD no frequency). This variant has not been reported in the literature in individuals affected with MSH6-related conditions. ClinVar contains an entry for this variant (Variation ID: 2011363). Advanced modeling of protein sequence and biophysical properties (such as structural, functional, and spatial information, amino acid conservation, physicochemical variation, residue mobility, and thermodynamic stability) has been performed at Invitae for this missense variant, however the output from this modeling did not meet the statistical confidence thresholds required to predict the impact of this variant on MSH6 protein function. In summary, the available evidence is currently insufficient to determine the role of this variant in disease. Therefore, it has been classified as a Variant of Uncertain Significance.

NM_000179.3(MSH6):c.2900T>C (p.Ile967Thr)

Gene: MSH6 (mutS homolog 6; plus strand). Cytogenetic location: 2p16.3.
Variant type: single nucleotide variant.
Coding change: c.2900T>C on transcript NM_000179.3 (MANE Select); coding-DNA position 2900, T replaced by C.
Protein change: p.Ile967Thr; replaces isoleucine 967 with threonine.
Molecular consequence: missense variant.
Genome position (GRCh38, 1-based): chr2:47,800,883, T>C. VCF-style: chr2-47800883-T-C. GRCh37 (hg19) VCF-style: chr2-48028022-T-C.
Other names: c.2510T>C, p.Ile837Thr (NM_001281492.2); c.1994T>C, p.Ile665Thr (NM_001281493.2, NM_001281494.2, NM_001406811.1 and 6 more transcripts); c.2996T>C, p.Ile999Thr (NM_001406795.1, NM_001406802.1); c.2900T>C, p.Ile967Thr (NM_001406796.1, NM_001406798.1, NM_001406800.1 and 2 more transcripts); c.2603T>C, p.Ile868Thr (NM_001406797.1, NM_001406801.1, NM_001406805.1 and 10 more transcripts); c.2375T>C, p.Ile792Thr (NM_001406799.1, NM_001406806.1, NM_001406807.1); c.2822T>C, p.Ile941Thr (NM_001406804.1); c.2906T>C, p.Ile969Thr (NM_001406813.1); and 2 more; short protein forms I837T, I967T, I665T, I792T, I911T, I999T, I282T, I868T.
Identifiers: ClinVar variation 2011363 (VCV002011363.5), dbSNP rs2104429543, ClinGen allele CA346756108.